The following is an entry in ClinVar:

NM_002474.3(MYH11):c.5370C>T (p.Leu1790=)

Genes: NDE1 (nudE neurodevelopment protein 1; plus strand), MYH11 (myosin heavy chain 11; minus strand). Cytogenetic location: 16p13.11.
Variant type: single nucleotide variant.
Coding change: c.5370C>T on transcript NM_002474.3 (MANE Select); coding-DNA position 5370, C replaced by T.
Protein change: p.Leu1790=; no amino-acid change (leucine 1790 retained).
Molecular consequence: synonymous variant. On other transcripts: intron variant (2).
Genome position (GRCh38, 1-based): chr16:15,717,274, G>A on the plus strand (C>T on the coding strand, the complement: MYH11 is on the minus strand). VCF-style: chr16-15717274-G-A. GRCh37 (hg19) VCF-style: chr16-15811131-G-A.
Other names: p.L1790L:CTC>CTT; p.Leu1797=; c.5391C>T, p.Leu1797= (NM_001040113.2, NM_001040114.2); c.5370C>T, p.Leu1790= (NM_022844.3); c.948-6917G>A (NM_001143979.2, NM_017668.3).
Identifiers: ClinVar variation 138351 (VCV000138351.38), dbSNP rs35295469, ClinGen allele CA172629.

ClinVar aggregate classification (germline): Benign/Likely benign. Review status: criteria provided, multiple submitters, no conflicts (2 of 4 stars). 15 submissions from 15 submitters: Benign (11); Likely benign (1). 3 of the submissions do not count toward it. Last evaluated 2026-02-04.

Conditions:
Aortic aneurysm, familial thoracic 4 (AAT4). Also called: AORTIC ANEURYSM/AORTIC DISSECTION AND PATENT DUCTUS ARTERIOSUS. Identifiers: MedGen C1851504, MONDO:0007568, OMIM 132900.
Familial thoracic aortic aneurysm and aortic dissection (TAAD). Also called: Thoracic aortic aneurysms and dissections. Identifiers: Orphanet 91387, MedGen C4707243, MONDO:0019625.

Allele frequency attached by ClinVar (database versions not stated): gnomAD 0.03086 and 0.03116; ESP Exome Variant Server 0.03386; TOPMed 0.03426; 1000 Genomes Project 0.04712; 1000 Genomes Project 30x 0.04934.
gnomAD v4.1: 14,013 of 1,613,862 alleles (0.87%); highest among the groups gnomAD compares: African/African-American, 10%; 599 homozygotes.

Submissions (15):

Labcorp Genetics (formerly Invitae), Labcorp
Classification: Benign for Aortic aneurysm, familial thoracic 4. Last evaluated: 2026-02-04. Review status: criteria provided, single submitter. Criteria: Invitae Variant Classification Sherloc (09022015). Collection method: clinical testing. Allele origin: germline.

Molecular Diagnostic Laboratory for Inherited Cardiovascular Disease, Montreal Heart Institute
Classification: Benign. Last evaluated: 2025-04-09. Review status: criteria provided, single submitter. Criteria: ACMG Guidelines, 2015. Collection method: clinical testing. Allele origin: germline. Affected: no.

All of Us Research Program, National Institutes of Health
Classification: Benign for Familial thoracic aortic aneurysm and aortic dissection. Last evaluated: 2024-02-05. Review status: criteria provided, single submitter. Criteria: ACMG Guidelines, 2015. Collection method: clinical testing. Allele origin: germline. Inheritance: Autosomal dominant inheritance. Observed: 1,886 variant alleles, 1,814 heterozygotes, 72 homozygotes.
Comment: This study involves interpretation of variants in research participants for the purpose of population health screening. Participant phenotype was not available at the time of variant classification. Additional details can be found in publication PMID: 35346344, PMCID: PMC8962531

CHEO Genetics Diagnostic Laboratory, Children's Hospital of Eastern Ontario
Classification: Benign for Familial thoracic aortic aneurysm and aortic dissection. Last evaluated: 2023-03-10. Review status: criteria provided, single submitter. Criteria: ACMG Guidelines, 2015. Collection method: clinical testing. Allele origin: germline.

Color Diagnostics, LLC DBA Color Health
Classification: Benign for Familial thoracic aortic aneurysm and aortic dissection. Last evaluated: 2018-03-07. Review status: criteria provided, single submitter. Criteria: ACMG Guidelines, 2015. Collection method: clinical testing. Allele origin: germline.

Illumina Laboratory Services, Illumina
Classification: Benign for Aortic aneurysm, familial thoracic 4. Last evaluated: 2018-01-13. Review status: criteria provided, single submitter. Criteria: ICSL Variant Classification Criteria 13 December 2019. Collection method: clinical testing. Allele origin: germline.
Comment: This variant was observed in the ICSL laboratory as part of a predisposition screen in an ostensibly healthy population. It had not been previously curated by ICSL or reported in the Human Gene Mutation Database (HGMD: prior to June 1st, 2018), and was therefore a candidate for classification through an automated scoring system. Utilizing variant allele frequency, disease prevalence and penetrance estimates, and inheritance mode, an automated score was calculated to assess if this variant is too frequent to cause the disease. Based on the score and internal cut-off values, a variant classified as benign is not then subjected to further curation. The score for this variant resulted in a classification of benign for this disease.

Ambry Genetics
Classification: Benign for Familial thoracic aortic aneurysm and aortic dissection. Last evaluated: 2016-01-19. Review status: criteria provided, single submitter. Criteria: Ambry Variant Classification Scheme 2023. Collection method: clinical testing. Allele origin: germline.

Mayo Clinic Laboratories, Mayo Clinic
Classification: Benign. Last evaluated: 2014-02-05. Review status: criteria provided, single submitter. Criteria: ACMG Guidelines, 2015. Collection method: clinical testing. Allele origin: germline. Observed: 31 variant alleles.

Laboratory for Molecular Medicine, Mass General Brigham Personalized Medicine
Classification: Benign. Last evaluated: 2013-04-04. Review status: criteria provided, single submitter. Criteria: LMM Criteria. Collection method: clinical testing. Allele origin: germline. Observed: 1 variant allele.
Comment: Leu1797Leu in exon 39 of MYH11: This variant is not expected to have clinical si gnificance because it does not alter an amino acid residue and is not located wi thin the splice consensus sequence. It has been identified in 9.9% (433/4394) of African American chromosomes from a broad population by the NHLBI Exome Sequenc ing Project (dbSNP rs35295469).

GeneDx
Classification: Benign. Last evaluated: 2013-01-08. Review status: criteria provided, single submitter. Criteria: GeneDx Variant Classification (06012015). Collection method: clinical testing. Allele origin: germline. Affected: yes.
Comment: This variant is considered likely benign or benign based on one or more of the following criteria: it is a conservative change, it occurs at a poorly conserved position in the protein, it is predicted to be benign by multiple in silico algorithms, and/or has population frequency not consistent with disease.

Breakthrough Genomics
Classification: Likely benign. Review status: criteria provided, single submitter. Criteria: ACMG Guidelines, 2015. Collection method: not provided. Allele origin: germline. Inheritance: Autosomal recessive inheritance. Affected: yes.

PreventionGenetics, part of Exact Sciences
Classification: Benign. Review status: criteria provided, single submitter. Criteria: ACMG Guidelines, 2015. Collection method: clinical testing. Allele origin: germline.

Genetic Services Laboratory, University of Chicago
Classification: Likely benign. Review status: no assertion criteria provided. Collection method: clinical testing. Allele origin: germline. Inheritance: Autosomal recessive inheritance. Not counted in ClinVar's aggregate classification.
Comment: Likely benign based on allele frequency in 1000 Genomes Project or ESP global frequency and its presence in a patient with a rare or unrelated disease phenotype. NOT Sanger confirmed

Genome Diagnostics Laboratory, Amsterdam University Medical Center
Classification: Benign. Review status: no assertion criteria provided. Collection method: clinical testing. Allele origin: germline. Affected: yes. Study: VKGL Data-share Consensus. Not counted in ClinVar's aggregate classification.

Joint Genome Diagnostic Labs from Nijmegen and Maastricht, Radboudumc and MUMC+
Classification: Likely benign. Review status: no assertion criteria provided. Collection method: clinical testing. Allele origin: germline. Affected: yes. Study: VKGL Data-share Consensus. Not counted in ClinVar's aggregate classification.